The following is an entry in ClinVar:

ClinVar aggregate classification (germline): Uncertain significance (1 of 4 stars; one submission).

Submission:

Labcorp Genetics (formerly Invitae), Labcorp
Classification: Uncertain significance. Last evaluated: 2022-08-23. Review status: criteria provided, single submitter. Criteria: Invitae Variant Classification Sherloc (09022015). Collection method: clinical testing. Allele origin: germline.
Comment: ClinVar contains an entry for this variant (Variation ID: 1026382). In summary, the available evidence is currently insufficient to determine the role of this variant in disease. Therefore, it has been classified as a Variant of Uncertain Significance. Algorithms developed to predict the effect of missense changes on protein structure and function output the following: SIFT: "Tolerated"; PolyPhen-2: "Benign"; Align-GVGD: "Class C0". The alanine amino acid residue is found in multiple mammalian species, which suggests that this missense change does not adversely affect protein function. This variant has not been reported in the literature in individuals affected with EMC1-related conditions. This variant is not present in population databases (gnomAD no frequency). This sequence change replaces serine, which is neutral and polar, with alanine, which is neutral and non-polar, at codon 365 of the EMC1 protein (p.Ser365Ala).

NM_015047.3(EMC1):c.1093T>G (p.Ser365Ala)

Genes: EMC1 (ER membrane protein complex subunit 1; minus strand), EMC1-AS1 (EMC1 antisense RNA 1; plus strand). Cytogenetic location: 1p36.13.
Variant type: single nucleotide variant.
Coding change: c.1093T>G on transcript NM_015047.3 (MANE Select); coding-DNA position 1093, T replaced by G.
Protein change: p.Ser365Ala; replaces serine 365 with alanine.
Molecular consequence: missense variant.
Genome position (GRCh38, 1-based): chr1:19,238,136, A>C on the plus strand (T>G on the coding strand, the complement: EMC1 is on the minus strand). VCF-style: chr1-19238136-A-C. GRCh37 (hg19) VCF-style: chr1-19564630-A-C.
Other names: c.1090T>G, p.Ser364Ala (NM_001271427.2, NM_001375821.1); c.1093T>G, p.Ser365Ala (NM_001271428.2, NM_001375820.1); c.1027T>G, p.Ser343Ala (NM_001271429.2); short protein forms S343A, S364A, S365A.
Identifiers: ClinVar variation 1026382 (VCV001026382.6), dbSNP rs2093579793, ClinGen allele CA338766781.